The following is an entry in ClinVar:

ClinVar aggregate classification (germline): Uncertain significance (1 of 4 stars; one submission).

gnomAD v4.1: 7 of 1,534,528 alleles (0.00046%); highest among the groups gnomAD compares: African/African-American, 0.0097%; no homozygotes.

Submission:

Labcorp Genetics (formerly Invitae), Labcorp
Classification: Uncertain significance. Last evaluated: 2024-11-03. Review status: criteria provided, single submitter. Criteria: Invitae Variant Classification Sherloc (09022015). Collection method: clinical testing. Allele origin: germline.
Comment: This sequence change replaces alanine, which is neutral and non-polar, with aspartic acid, which is acidic and polar, at codon 2065 of the DSCAML1 protein (p.Ala2065Asp). This variant is present in population databases (rs773507353, gnomAD 0.01%). This variant has not been reported in the literature in individuals affected with DSCAML1-related conditions. ClinVar contains an entry for this variant (Variation ID: 1900046). An algorithm developed to predict the effect of missense changes on protein structure and function (PolyPhen-2) suggests that this variant is likely to be tolerated. In summary, the available evidence is currently insufficient to determine the role of this variant in disease. Therefore, it has been classified as a Variant of Uncertain Significance.

NM_020693.4(DSCAML1):c.6014C>A (p.Ala2005Asp)

Gene: DSCAML1 (DS cell adhesion molecule like 1; minus strand). Cytogenetic location: 11q23.3.
Variant type: single nucleotide variant.
Coding change: c.6014C>A on transcript NM_020693.4 (MANE Select); coding-DNA position 6014, C replaced by A.
Protein change: p.Ala2005Asp; replaces alanine 2005 with aspartic acid.
Molecular consequence: missense variant.
Genome position (GRCh38, 1-based): chr11:117,428,476, G>T on the plus strand (C>A on the coding strand, the complement: DSCAML1 is on the minus strand). VCF-style: chr11-117428476-G-T. GRCh37 (hg19) VCF-style: chr11-117299192-G-T.
Other names: short protein forms A2005D.
Identifiers: ClinVar variation 1900046 (VCV001900046.5), dbSNP rs773507353, ClinGen allele CA6295891.